The following is an entry in ClinVar:

NM_206965.2(FTCD):c.379G>A (p.Gly127Ser)

Genes: FTCD (formimidoyltransferase cyclodeaminase; minus strand), FTCD-AS1 (FTCD antisense RNA 1; plus strand). Cytogenetic location: 21q22.3.
Variant type: single nucleotide variant.
Coding change: c.379G>A on transcript NM_206965.2 (MANE Select); coding-DNA position 379, G replaced by A.
Protein change: p.Gly127Ser; replaces glycine 127 with serine.
Molecular consequence: missense variant.
Genome position (GRCh38, 1-based): chr21:46,151,969, C>T on the plus strand (G>A on the coding strand, the complement: FTCD is on the minus strand). VCF-style: chr21-46151969-C-T. GRCh37 (hg19) VCF-style: chr21-47571883-C-T.
Other names: c.379G>A (NM_001320412.1); c.379G>A, p.Gly127Ser (NM_001320412.2, NM_006657.3); short protein forms G127S.
Identifiers: ClinVar variation 975238 (VCV000975238.7), dbSNP rs766010122, ClinGen allele CA10073928.

ClinVar aggregate classification (germline): Uncertain significance. Review status: criteria provided, multiple submitters, no conflicts (2 of 4 stars). 4 submissions from 4 submitters: Uncertain significance (3). 1 of the submissions does not count toward it. Last evaluated 2024-11-11.

Conditions:
Inborn genetic diseases. Identifiers: MedGen C0950123, MeSH D030342.
FTCD-related disorder. Also called: FTCD-related condition.
Glutamate formiminotransferase deficiency. Also called: Arakawa syndrome 1; Formiminoglutamic aciduria. Identifiers: Orphanet 51208, MedGen C0268609, MONDO:0009240, OMIM 229100.
Intellectual disability. Also called: Intellectual developmental disorder; Intellectual functioning disability; intellectual disabilities. Identifiers: MedGen C3714756, MeSH D008607, MONDO:0001071, HP:0001249.

Allele frequency attached by ClinVar (database versions not stated): TOPMed 0.00002.
gnomAD v4.1: 84 of 1,566,398 alleles (0.0054%); highest among the groups gnomAD compares: Admixed American, 0.017%; no homozygotes.

Submissions (4):

PreventionGenetics, part of Exact Sciences
Classification: Uncertain significance for FTCD-related condition. Last evaluated: 2024-11-11. Review status: criteria provided, single submitter. Criteria: ACMG Guidelines, 2015. Collection method: clinical testing. Allele origin: germline.
Comment: The FTCD c.379G>A variant is predicted to result in the amino acid substitution p.Gly127Ser. To our knowledge, this variant has not been reported in the literature. This variant is reported in 0.023% of alleles in individuals of Latino descent in gnomAD. At this time, the clinical significance of this variant is uncertain due to the absence of conclusive functional and genetic evidence.

Ambry Genetics
Classification: Uncertain significance for Inborn genetic diseases. Last evaluated: 2024-05-23. Review status: criteria provided, single submitter. Criteria: Ambry Variant Classification Scheme 2023. Collection method: clinical testing. Allele origin: germline.

Labcorp Genetics (formerly Invitae), Labcorp
Classification: Uncertain significance for Glutamate formiminotransferase deficiency. Last evaluated: 2023-05-15. Review status: criteria provided, single submitter. Criteria: Invitae Variant Classification Sherloc (09022015). Collection method: clinical testing. Allele origin: germline.
Comment: This sequence change replaces glycine, which is neutral and non-polar, with serine, which is neutral and polar, at codon 127 of the FTCD protein (p.Gly127Ser). In summary, the available evidence is currently insufficient to determine the role of this variant in disease. Therefore, it has been classified as a Variant of Uncertain Significance. Advanced modeling of protein sequence and biophysical properties (such as structural, functional, and spatial information, amino acid conservation, physicochemical variation, residue mobility, and thermodynamic stability) performed at Invitae indicates that this missense variant is not expected to disrupt FTCD protein function. ClinVar contains an entry for this variant (Variation ID: 975238). This variant has not been reported in the literature in individuals affected with FTCD-related conditions. This variant is present in population databases (rs766010122, gnomAD 0.02%).

Centre de Biologie Pathologie Génétique, Centre Hospitalier Universitaire de Lille
Classification: Likely benign for Intellectual disability. Last evaluated: 2019-01-01. Review status: no assertion criteria provided. Collection method: clinical testing. Allele origin: inherited. Affected: yes. Not counted in ClinVar's aggregate classification.